The following is an entry in ClinVar:

NM_015910.7(WDPCP):c.2158+10T>C

Gene: WDPCP (WD repeat containing planar cell polarity effector; minus strand). Cytogenetic location: 2p15.
Variant type: single nucleotide variant.
Coding change: c.2158+10T>C on transcript NM_015910.7 (MANE Select); 10 bases into the intron after coding-DNA position 2158, T replaced by C.
Molecular consequence: intron variant.
Genome position (GRCh38, 1-based): chr2:63,153,485, A>G on the plus strand (T>C on the coding strand, the complement: WDPCP is on the minus strand). VCF-style: chr2-63153485-A-G. GRCh37 (hg19) VCF-style: chr2-63380620-A-G.
Other names: c.2086+10T>C (NM_001354044.2); c.1681+10T>C (NM_001042692.3).
Identifiers: ClinVar variation 5000343 (VCV005000343.1).

ClinVar aggregate classification (germline): Likely benign (1 of 4 stars; one submission).

Conditions:
WDPCP-related disorder. Also called: WDPCP-related condition.

Submission:

PreventionGenetics, part of Exact Sciences
Classification: Likely benign for WDPCP-related condition. Last evaluated: 2024-11-10. Review status: criteria provided, single submitter. Criteria: ACMG Guidelines, 2015. Collection method: clinical testing. Allele origin: germline.
Comment: This variant is classified as likely benign based on ACMG/AMP sequence variant interpretation guidelines (Richards et al. 2015 PMID: 25741868, with internal and published modifications).